The following is an entry in ClinVar:

NM_002691.4(POLD1):c.863C>G (p.Ala288Gly)

Gene: POLD1 (DNA polymerase delta 1, catalytic subunit; plus strand). Cytogenetic location: 19q13.33.
Variant type: single nucleotide variant.
Coding change: c.863C>G on transcript NM_002691.4 (MANE Select); coding-DNA position 863, C replaced by G.
Protein change: p.Ala288Gly; replaces alanine 288 with glycine.
Molecular consequence: missense variant. On other transcripts: non-coding transcript variant (1).
Genome position (GRCh38, 1-based): chr19:50,402,634, C>G. VCF-style: chr19-50402634-C-G. GRCh37 (hg19) VCF-style: chr19-50905891-C-G.
Other names: c.863C>G, p.Ala288Gly (NM_001256849.1, NM_001308632.1); short protein forms A288G.
Identifiers: ClinVar variation 3222751 (VCV003222751.1), dbSNP rs755550936, ClinGen allele CA406976758.

ClinVar aggregate classification (germline): Uncertain significance (1 of 4 stars; one submission).

Conditions:
Hereditary cancer-predisposing syndrome. Also called: Tumor predisposition; Hereditary neoplastic syndrome; Hereditary Cancer Syndrome; Neoplastic Syndromes, Hereditary. Identifiers: Orphanet 140162, MedGen C0027672, MeSH D009386, MONDO:0015356.

Submission:

Ambry Genetics
Classification: Uncertain significance for Hereditary cancer-predisposing syndrome. Last evaluated: 2024-03-10. Review status: criteria provided, single submitter. Criteria: Ambry Variant Classification Scheme 2023. Collection method: clinical testing. Allele origin: germline.
Comment: The p.A288G variant (also known as c.863C>G), located in coding exon 7 of the POLD1 gene, results from a C to G substitution at nucleotide position 863. The alanine at codon 288 is replaced by glycine, an amino acid with similar properties. This amino acid position is conserved. In addition, this alteration is predicted to be tolerated by in silico analysis. Based on the available evidence, the clinical significance of this alteration remains unclear.